The following is an entry in ClinVar:

ClinVar aggregate classification (germline): Benign/Likely benign. Review status: criteria provided, multiple submitters, no conflicts (2 of 4 stars). 10 submissions from 10 submitters: Benign (6); Likely benign (3). 1 of the submissions does not count toward it. Last evaluated 2026-02-04.

Conditions:
Primary ciliary dyskinesia. Also called: Ciliary dyskinesia. Identifiers: Orphanet 244, MedGen C0008780, MONDO:0016575, HP:0012265.
Primary ciliary dyskinesia 3. Identifiers: Orphanet 244, MedGen C1837618, MONDO:0012085, OMIM 608644.

Allele frequency attached by ClinVar (database versions not stated): 1000 Genomes Project 0.01038; 1000 Genomes Project 30x 0.01109; TOPMed 0.01965; gnomAD 0.02235 and 0.02321; ESP Exome Variant Server 0.02260; gnomAD exomes 0.02852.
gnomAD v4.1: 44,874 of 1,613,708 alleles (2.8%); highest among the groups gnomAD compares: Non-Finnish European, 3.1%; 696 homozygotes.

Submissions (10):

Labcorp Genetics (formerly Invitae), Labcorp
Classification: Benign for Primary ciliary dyskinesia. Last evaluated: 2026-02-04. Review status: criteria provided, single submitter. Criteria: Invitae Variant Classification Sherloc (09022015). Collection method: clinical testing. Allele origin: germline.

Blueprint Genetics
Classification: Likely benign. Last evaluated: 2024-11-25. Review status: criteria provided, single submitter. Criteria: ACMG Guidelines, 2015. Collection method: clinical testing. Allele origin: germline.

Mayo Clinic Laboratories, Mayo Clinic
Classification: Benign. Last evaluated: 2024-02-01. Review status: criteria provided, single submitter. Criteria: ACMG Guidelines, 2015. Collection method: clinical testing. Allele origin: germline. Observed: 5 variant alleles.

GeneDx
Classification: Benign. Last evaluated: 2019-05-06. Review status: criteria provided, single submitter. Criteria: GeneDx Variant Classification Process June 2021. Collection method: clinical testing. Allele origin: germline. Affected: yes.

Illumina Laboratory Services, Illumina
Classification: Likely benign for Primary ciliary dyskinesia 3. Last evaluated: 2018-01-12. Review status: criteria provided, single submitter. Criteria: ICSL Variant Classification Criteria 13 December 2019. Collection method: clinical testing. Allele origin: germline.
Comment: This variant was observed in the ICSL laboratory as part of a predisposition screen in an ostensibly healthy population. It had not been previously curated by ICSL or reported in the Human Gene Mutation Database (HGMD: prior to June 1st, 2018), and was therefore a candidate for classification through an automated scoring system. Utilizing variant allele frequency, disease prevalence and penetrance estimates, and inheritance mode, an automated score was calculated to assess if this variant is too frequent to cause the disease. Based on the score and internal cut-off values, a variant classified as likely benign is not then subjected to further curation. The score for this variant resulted in a classification of likely benign for this disease.

Ambry Genetics
Classification: Benign for Primary ciliary dyskinesia. Last evaluated: 2015-01-16. Review status: criteria provided, single submitter. Criteria: Ambry Variant Classification Scheme 2023. Collection method: clinical testing. Allele origin: germline.

Laboratory for Molecular Medicine, Mass General Brigham Personalized Medicine
Classification: Benign. Last evaluated: 2013-02-21. Review status: criteria provided, single submitter. Criteria: LMM Criteria. Collection method: clinical testing. Allele origin: germline. Observed: 6 variant alleles.
Comment: Thr2966Thr in exon 53 of DNAH5: This variant is not expected to have clinical si gnificance because it does not alter an amino acid residue and is not located wi thin the splice consensus sequence. It has been identified in 3.2% (272/8600) of European American chromosomes from a broad population by the NHLBI Exome Sequen cing Project (dbSNP rs111995400).

Breakthrough Genomics
Classification: Likely benign. Review status: criteria provided, single submitter. Criteria: ACMG Guidelines, 2015. Collection method: not provided. Allele origin: germline. Inheritance: Autosomal recessive inheritance. Affected: yes.

PreventionGenetics, part of Exact Sciences
Classification: Benign. Review status: criteria provided, single submitter. Criteria: ACMG Guidelines, 2015. Collection method: clinical testing. Allele origin: germline.

Natera, Inc.
Classification: Benign for Primary ciliary dyskinesia. Last evaluated: 2020-09-16. Review status: no assertion criteria provided. Collection method: clinical testing. Allele origin: germline. Not counted in ClinVar's aggregate classification.

NM_001369.3(DNAH5):c.8898G>A (p.Thr2966=)

Gene: DNAH5 (dynein axonemal heavy chain 5; minus strand). Cytogenetic location: 5p15.2.
Variant type: single nucleotide variant.
Coding change: c.8898G>A on transcript NM_001369.3 (MANE Select); coding-DNA position 8898, G replaced by A.
Protein change: p.Thr2966=; no amino-acid change (threonine 2966 retained).
Molecular consequence: synonymous variant.
Genome position (GRCh38, 1-based): chr5:13,780,882, C>T on the plus strand (G>A on the coding strand, the complement: DNAH5 is on the minus strand). VCF-style: chr5-13780882-C-T. GRCh37 (hg19) VCF-style: chr5-13780991-C-T.
Other names: p.Thr2966=.
Identifiers: ClinVar variation 163138 (VCV000163138.28), dbSNP rs111995400, ClinGen allele CA175778.